The following is an entry in ClinVar:

NM_017775.4(TTC19):c.896A>G (p.Tyr299Cys)

Gene: TTC19 (tetratricopeptide repeat domain 19; plus strand). Cytogenetic location: 17p12.
Variant type: single nucleotide variant.
Coding change: c.896A>G on transcript NM_017775.4 (MANE Select); coding-DNA position 896, A replaced by G.
Protein change: p.Tyr299Cys; replaces tyrosine 299 with cysteine.
Molecular consequence: missense variant.
Genome position (GRCh38, 1-based): chr17:16,026,604, A>G. VCF-style: chr17-16026604-A-G. GRCh37 (hg19) VCF-style: chr17-15929918-A-G.
Other names: c.575A>G, p.Tyr192Cys (NM_001271420.2); short protein forms Y299C, Y192C.
Identifiers: ClinVar variation 1359791 (VCV001359791.8), dbSNP rs149178668, ClinGen allele CA8407557.

ClinVar aggregate classification (germline): Uncertain significance (1 of 4 stars; one submission).

Allele frequency attached by ClinVar (database versions not stated): gnomAD exomes 0.00002; ExAC 0.00003; ESP Exome Variant Server 0.00015; 1000 Genomes Project 30x 0.00016; 1000 Genomes Project 0.00020.
gnomAD v4.1: 18 of 1,614,172 alleles (0.0011%); highest among the groups gnomAD compares: African/African-American, 0.023%; no homozygotes.

Submission:

Labcorp Genetics (formerly Invitae), Labcorp
Classification: Uncertain significance. Last evaluated: 2025-09-02. Review status: criteria provided, single submitter. Criteria: Invitae Variant Classification Sherloc (09022015). Collection method: clinical testing. Allele origin: germline.
Comment: This sequence change replaces tyrosine, which is neutral and polar, with cysteine, which is neutral and slightly polar, at codon 299 of the TTC19 protein (p.Tyr299Cys). This variant is present in population databases (rs149178668, gnomAD 0.02%). This variant has not been reported in the literature in individuals affected with TTC19-related conditions. ClinVar contains an entry for this variant (Variation ID: 1359791). Invitae Evidence Modeling of protein sequence and biophysical properties (such as structural, functional, and spatial information, amino acid conservation, physicochemical variation, residue mobility, and thermodynamic stability) indicates that this missense variant is not expected to disrupt TTC19 protein function with a negative predictive value of 80%. In summary, the available evidence is currently insufficient to determine the role of this variant in disease. Therefore, it has been classified as a Variant of Uncertain Significance.